The following is an entry in ClinVar:

NM_003482.4(KMT2D):c.273G>A (p.Trp91Ter)

Gene: KMT2D (lysine methyltransferase 2D; minus strand). Cytogenetic location: 12q13.12.
Variant type: single nucleotide variant.
Coding change: c.273G>A on transcript NM_003482.4 (MANE Select); coding-DNA position 273, G replaced by A.
Protein change: p.Trp91Ter; replaces tryptophan 91 with a stop codon.
Molecular consequence: nonsense.
Genome position (GRCh38, 1-based): chr12:49,054,655, C>T on the plus strand (G>A on the coding strand, the complement: KMT2D is on the minus strand). VCF-style: chr12-49054655-C-T. GRCh37 (hg19) VCF-style: chr12-49448438-C-T.
Other names: short protein forms W91*.
Identifiers: ClinVar variation 1453034 (VCV001453034.6), dbSNP rs2120712071, ClinGen allele CA384688748.

ClinVar aggregate classification (germline): Pathogenic (1 of 4 stars; one submission).

Conditions:
Kabuki syndrome. Also called: Kabuki make-up syndrome; NIIKAWA-KUROKI SYNDROME. Identifiers: Orphanet 2322, MedGen C0796004, MONDO:0016512.

Submission:

Labcorp Genetics (formerly Invitae), Labcorp
Classification: Pathogenic for Kabuki syndrome. Last evaluated: 2021-03-29. Review status: criteria provided, single submitter. Criteria: Invitae Variant Classification Sherloc (09022015). Collection method: clinical testing. Allele origin: germline.
Comment: This variant has not been reported in the literature in individuals with KMT2D-related conditions. For these reasons, this variant has been classified as Pathogenic. This variant is not present in population databases (ExAC no frequency). This sequence change creates a premature translational stop signal (p.Trp91*) in the KMT2D gene. It is expected to result in an absent or disrupted protein product. Loss-of-function variants in KMT2D are known to be pathogenic (PMID: 22126750).

Literature cited by the submitters: PubMed 22126750.